The following is an entry in ClinVar:

NM_000212.3(ITGB3):c.55del (p.Ala19fs)

Gene: ITGB3 (integrin subunit beta 3; plus strand). Cytogenetic location: 17q21.32.
Variant type: Deletion.
Coding change: c.55del on transcript NM_000212.3 (MANE Select); coding-DNA position 55, one base deleted (G; older notation c.55delG).
Protein change: p.Ala19fs; shifts the reading frame from alanine 19.
Molecular consequence: frameshift variant.
Genome position (GRCh38, 1-based): chr17:47,253,916, G deleted; the last of 5 consecutive G bases (chr17:47,253,912-47,253,916); deleting any one gives the same sequence. VCF-style (leftmost placement, unchanged base first): chr17-47253911-TG-T. GRCh37 (hg19) VCF-style: chr17-45331277-TG-T.
Other names: NM_000212.3(ITGB3):c.55del; p.Ala19fs; c.55del (NM_000212.2); short protein forms A19fs.
Identifiers: ClinVar variation 1438062 (VCV001438062.10), dbSNP rs1302506624, ClinGen allele CA626377544.

ClinVar aggregate classification (germline): Uncertain significance. Review status: reviewed by expert panel (3 of 4 stars). 4 submissions from 4 submitters: Uncertain significance (1). 3 of the submissions do not count toward it. Last evaluated 2024-02-20.

Conditions:
Glanzmann thrombasthenia. Also called: THROMBASTHENIA OF GLANZMANN AND NAEGELI; Glanzmann's thrombasthenia; PLATELET GLYCOPROTEIN IIb-IIIa DEFICIENCY; Thrombasthenia. Identifiers: Orphanet 849, MedGen C0040015, MONDO:0100326.
Glanzmann thrombasthenia 2. Also called: BLEEDING DISORDER, PLATELET-TYPE, 23. Identifiers: MedGen C5543273, MONDO:0031009, OMIM 619267.

Submissions (4):

ClinGen Platelet Disorders Variant Curation Expert Panel, ClinGen
Classification: Uncertain significance for Glanzmann thrombasthenia. Last evaluated: 2024-02-20. Review status: reviewed by expert panel. Criteria: ClinGen Platelet ACMG Specifications v2-1. Collection method: curation. Allele origin: germline. Inheritance: Autosomal recessive inheritance.
Comment: The c.55del variant in ITGB3 is a deletion of 1 nucleotide in exon 1, resulting in a shift of the reading frame and a premature stop signal (p.Ala19Argfs*7). Premature termination codon within exon 1/ first 100 nucleotides may not cause NMD and instead may lead to translation re-initiation (PMID: 27618451). Therefore, PVS1 is downgraded to PVS1_moderate. This variant occurs at a very low allele frequency overall in gnomAD v4.0.0 of 0.000006374 with a MAF of 0.000002980 (3/1006570) in the non-Finnish European population (PM2_Supporting). The variant has been reported heterozygous in one individual (PMID: 31980526) but has not been reported in any patients with a Glanzmann thrombasthenia phenotype. In summary, this variant meets the criteria to be classified as uncertain significance for autosomal recessive Glanzmann Thrombasthenia based on the ACMG/AMP criteria applied, as specified by the ClinGen PD VCEP: PVS1_Moderate, PM2_Supporting.

GeneDx
Classification: Uncertain significance. Last evaluated: 2026-06-09. Review status: criteria provided, single submitter. Criteria: GeneDx Variant Classification Process June 2021. Collection method: clinical testing. Allele origin: germline. Not counted in ClinVar's aggregate classification.
Comment: Reported in an individual from an adult cohort undergoing whole genome sequencing; however, specific clinical details were not provided (PMID: 31980526); Frameshift variant predicted to result in protein truncation or nonsense mediated decay in a gene for which loss of function is a known mechanism of disease; This variant is associated with the following publications: (PMID: 31980526)

Dasa
Classification: Uncertain significance for Glanzmann thrombasthenia 2. Last evaluated: 2026-01-22. Review status: criteria provided, single submitter. Criteria: DASA Assertion Criteria. Collection method: clinical testing. Allele origin: germline. Not counted in ClinVar's aggregate classification.
Comment: NM_000212.3(ITGB3):c.55del (p.Ala19Argfs*7) is a frameshift variant in ITGB3 predicted to alter the reading frame and introduce a premature termination codon and is predicted to result in an absent or altered protein product. This variant is rare in population databases. The currently available literature and clinical evidence are not sufficient to establish a definitive association between this variant and the reported condition. Therefore, this variant is classified as a variant of uncertain significance.

Labcorp Genetics (formerly Invitae), Labcorp
Classification: Pathogenic. Last evaluated: 2023-05-18. Review status: criteria provided, single submitter. Criteria: Invitae Variant Classification Sherloc (09022015). Collection method: clinical testing. Allele origin: germline. Not counted in ClinVar's aggregate classification.
Comment: This sequence change creates a premature translational stop signal (p.Ala19Argfs*7) in the ITGB3 gene. It is expected to result in an absent or disrupted protein product. Loss-of-function variants in ITGB3 are known to be pathogenic (PMID: 21917754). The frequency data for this variant in the population databases is considered unreliable, as metrics indicate poor data quality at this position in the gnomAD database. This variant has not been reported in the literature in individuals affected with ITGB3-related conditions. ClinVar contains an entry for this variant (Variation ID: 1438062). For these reasons, this variant has been classified as Pathogenic.

Literature cited by the submitters: PubMed 21917754 (cited by Labcorp Genetics (formerly Invitae), Labcorp).